The following is an entry in ClinVar:

ClinVar aggregate classification (germline): Uncertain significance (1 of 4 stars; one submission).

Allele frequency attached by ClinVar (database versions not stated): gnomAD 0.00002 and 0.00003; gnomAD exomes 0.00002; TOPMed 0.00003.

Submission:

Labcorp Genetics (formerly Invitae), Labcorp
Classification: Uncertain significance. Last evaluated: 2022-11-02. Review status: criteria provided, single submitter. Criteria: Invitae Variant Classification Sherloc (09022015). Collection method: clinical testing. Allele origin: germline.
Comment: In summary, the available evidence is currently insufficient to determine the role of this variant in disease. Therefore, it has been classified as a Variant of Uncertain Significance. Algorithms developed to predict the effect of missense changes on protein structure and function are either unavailable or do not agree on the potential impact of this missense change (SIFT: "Deleterious"; PolyPhen-2: "Not Available"; Align-GVGD: "Class C0"). ClinVar contains an entry for this variant (Variation ID: 1501983). This variant has not been reported in the literature in individuals affected with PCLO-related conditions. This variant is present in population databases (rs768741000, gnomAD 0.006%). This sequence change replaces arginine, which is basic and polar, with tryptophan, which is neutral and slightly polar, at codon 2249 of the PCLO protein (p.Arg2249Trp).

NM_033026.6(PCLO):c.6745C>T (p.Arg2249Trp)

Gene: PCLO (piccolo presynaptic cytomatrix protein; minus strand). Cytogenetic location: 7q21.11.
Variant type: single nucleotide variant.
Coding change: c.6745C>T on transcript NM_033026.6 (MANE Select); coding-DNA position 6745, C replaced by T.
Protein change: p.Arg2249Trp; replaces arginine 2249 with tryptophan.
Molecular consequence: missense variant.
Genome position (GRCh38, 1-based): chr7:82,954,208, G>A on the plus strand (C>T on the coding strand, the complement: PCLO is on the minus strand). VCF-style: chr7-82954208-G-A. GRCh37 (hg19) VCF-style: chr7-82583524-G-A.
Other names: c.6745C>T, p.Arg2249Trp (NM_014510.3); short protein forms R2249W.
Identifiers: ClinVar variation 1501983 (VCV001501983.8), dbSNP rs768741000, ClinGen allele CA4320418.